The following is an entry in ClinVar:

ClinVar aggregate classification (germline): Uncertain significance (1 of 4 stars; one submission).

Conditions:
Inflammatory bowel disease 25. Also called: Inflammatory bowel disease 25, early onset, autosomal recessive. Identifiers: Orphanet 238569, MedGen C2675508, MONDO:0012941, OMIM 612567.

Allele frequency attached by ClinVar (database versions not stated): gnomAD exomes below 0.00001; TOPMed 0.00001.
gnomAD v4.1: 4 of 1,542,936 alleles (0.00026%); highest among the groups gnomAD compares: African/African-American, 0.0014%; no homozygotes.

Submission:

Labcorp Genetics (formerly Invitae), Labcorp
Classification: Uncertain significance for Inflammatory bowel disease 25. Last evaluated: 2021-08-20. Review status: criteria provided, single submitter. Criteria: Invitae Variant Classification Sherloc (09022015). Collection method: clinical testing. Allele origin: germline.
Comment: This sequence change replaces cysteine with tyrosine at codon 12 of the IL10RB protein (p.Cys12Tyr). The cysteine residue is moderately conserved and there is a large physicochemical difference between cysteine and tyrosine. This variant is not present in population databases (ExAC no frequency). This variant has not been reported in the literature in individuals affected with IL10RB-related conditions. Experimental studies and prediction algorithms are not available or were not evaluated, and the functional significance of this variant is currently unknown. In summary, the available evidence is currently insufficient to determine the role of this variant in disease. Therefore, it has been classified as a Variant of Uncertain Significance.

NM_000628.5(IL10RB):c.35G>A (p.Cys12Tyr)

Genes: IL10RB (interleukin 10 receptor subunit beta; plus strand), IFNAR2-IL10RB (IFNAR2-IL10RB readthrough; plus strand), LOC130066558 (ATAC-STARR-seq lymphoblastoid silent region 13254; plus strand). Cytogenetic location: 21q22.11.
Variant type: single nucleotide variant.
Coding change: c.35G>A on transcript NM_000628.5 (MANE Select); coding-DNA position 35, G replaced by A.
Protein change: p.Cys12Tyr; replaces cysteine 12 with tyrosine.
Molecular consequence: missense variant.
Genome position (GRCh38, 1-based): chr21:33,266,500, G>A. VCF-style: chr21-33266500-G-A. GRCh37 (hg19) VCF-style: chr21-34638805-G-A.
Other names: short protein forms C12Y.
Identifiers: ClinVar variation 1431865 (VCV001431865.5), dbSNP rs1988945494, ClinGen allele CA410106888.